The following is an entry in ClinVar:

NM_024548.4(CEP97):c.1988C>T (p.Ser663Leu)

Gene: CEP97 (centrosomal protein 97; plus strand). Cytogenetic location: 3q12.3.
Variant type: single nucleotide variant.
Coding change: c.1988C>T on transcript NM_024548.4 (MANE Select); coding-DNA position 1988, C replaced by T.
Protein change: p.Ser663Leu; replaces serine 663 with leucine.
Molecular consequence: missense variant.
Genome position (GRCh38, 1-based): chr3:101,764,941, C>T. VCF-style: chr3-101764941-C-T. GRCh37 (hg19) VCF-style: chr3-101483785-C-T.
Other names: c.1811C>T, p.Ser604Leu (NM_001303401.2); c.1886C>T, p.Ser629Leu (NM_001410784.1); c.1709C>T, p.Ser570Leu (NM_001410785.1); c.1988C>T (NM_024548.2); short protein forms S570L, S604L, S629L, S663L.
Identifiers: ClinVar variation 3606767 (VCV003606767.3).

ClinVar aggregate classification (germline): Uncertain significance. Review status: criteria provided, multiple submitters, no conflicts (2 of 4 stars). 2 submissions from 2 submitters: Uncertain significance (2). Last evaluated 2025-06-18.

gnomAD v4.1: 16 of 1,614,022 alleles (0.00099%); highest among the groups gnomAD compares: East Asian, 0.0045%; no homozygotes.

Submissions (2):

Ambry Genetics
Classification: Uncertain significance. Last evaluated: 2025-06-18. Review status: criteria provided, single submitter. Criteria: Ambry Variant Classification Scheme 2023. Collection method: clinical testing. Allele origin: germline.

Labcorp Genetics (formerly Invitae), Labcorp
Classification: Uncertain significance. Last evaluated: 2025-01-07. Review status: criteria provided, single submitter. Criteria: Invitae Variant Classification Sherloc (09022015). Collection method: clinical testing. Allele origin: germline.
Comment: This sequence change replaces serine, which is neutral and polar, with leucine, which is neutral and non-polar, at codon 663 of the CEP97 protein (p.Ser663Leu). This variant is present in population databases (no rsID available, gnomAD 0.002%). This variant has not been reported in the literature in individuals affected with CEP97-related conditions. Invitae Evidence Modeling of protein sequence and biophysical properties (such as structural, functional, and spatial information, amino acid conservation, physicochemical variation, residue mobility, and thermodynamic stability) indicates that this missense variant is not expected to disrupt CEP97 protein function with a negative predictive value of 80%. In summary, the available evidence is currently insufficient to determine the role of this variant in disease. Therefore, it has been classified as a Variant of Uncertain Significance.